The following is an entry in ClinVar:

ClinVar aggregate classification (germline): Uncertain significance (1 of 4 stars; one submission).

Conditions:
Dilated cardiomyopathy 1KK (CMD1KK). Identifiers: Orphanet 154, Orphanet 75249, MedGen C3714995, MONDO:0014100, OMIM 615248.

Allele frequency attached by ClinVar (database versions not stated): gnomAD exomes 0.00001.
gnomAD v4.1: 7 of 1,614,042 alleles (0.00043%); highest among the groups gnomAD compares: Non-Finnish European, 0.00059%; no homozygotes.

Submission:

Labcorp Genetics (formerly Invitae), Labcorp
Classification: Uncertain significance for Dilated cardiomyopathy 1KK. Last evaluated: 2016-02-16. Review status: criteria provided, single submitter. Criteria: Invitae Variant Classification Sherloc (09022015). Collection method: clinical testing. Allele origin: germline.
Comment: Algorithms developed to predict the effect of missense changes on protein structure and function (SIFT, PolyPhen-2, Align-GVGD) all suggest that this variant is likely to be disruptive, but these predictions have not been confirmed by published functional studies. In summary, this is a novel missense change with uncertain impact on protein function. It has been classified as a Variant of Uncertain Significance. This variant is not present in population databases (ExAC no frequency) and has not been reported in the literature in individuals with a MYPN-related disease. This sequence change replaces valine with alanine at codon 1183 of the MYPN protein (p.Val1183Ala). The valine residue is highly conserved and there is a small physicochemical difference between valine and alanine.

NM_032578.4(MYPN):c.3548T>C (p.Val1183Ala)

Gene: MYPN (myopalladin; plus strand). Cytogenetic location: 10q21.3.
Variant type: single nucleotide variant.
Coding change: c.3548T>C on transcript NM_032578.4 (MANE Select); coding-DNA position 3548, T replaced by C.
Protein change: p.Val1183Ala; replaces valine 1183 with alanine.
Molecular consequence: missense variant. On other transcripts: non-coding transcript variant (2).
Genome position (GRCh38, 1-based): chr10:68,201,883, T>C. VCF-style: chr10-68201883-T-C. GRCh37 (hg19) VCF-style: chr10-69961640-T-C.
Other names: c.3548T>C, p.Val1183Ala (NM_001256267.2); c.2666T>C, p.Val889Ala (NM_001256268.2); short protein forms V1183A, V889A.
Identifiers: ClinVar variation 241710 (VCV000241710.8), dbSNP rs878855166, ClinGen allele CA10582731.
Genomic context (GRCh38, chr10:68,201,883, plus strand): 5'-GCTCAGCCAAAGAGGTGAAGAAAGCACCTGTGATCCTGGAGAAACTACAGAACTGCGGTG[T>C]TCCCGAAGGCCACCCCGTGAGACTGGAGTGCCGCGTGATAGGCATGCCCCCACCTGTGTT-3'
Protein context (NP_115967.2, residues 1173-1193): VILEKLQNCG[Val1183Ala]PEGHPVRLEC